The following is an entry in ClinVar:

ClinVar aggregate classification (germline): Uncertain significance (1 of 4 stars; one submission).

Conditions:
Inborn genetic diseases. Identifiers: MedGen C0950123, MeSH D030342.

gnomAD v4.1: 5 of 1,614,154 alleles (0.00031%); highest among the groups gnomAD compares: Non-Finnish European, 0.00042%; no homozygotes.

Submission:

Ambry Genetics
Classification: Uncertain significance for Inborn genetic diseases. Last evaluated: 2025-08-09. Review status: criteria provided, single submitter. Criteria: Ambry Variant Classification Scheme 2023. Collection method: clinical testing. Allele origin: germline.
Comment: The p.E285G variant (also known as c.854A>G), located in coding exon 7 of the FANCG gene, results from an A to G substitution at nucleotide position 854. The glutamic acid at codon 285 is replaced by glycine, an amino acid with similar properties. This amino acid position is conserved. In addition, the in silico prediction for this alteration is inconclusive. Based on the available evidence, the clinical significance of this variant remains unclear.

NM_004629.2(FANCG):c.854A>G (p.Glu285Gly)

Gene: FANCG (FA complementation group G; minus strand). Cytogenetic location: 9p13.3.
Variant type: single nucleotide variant.
Coding change: c.854A>G on transcript NM_004629.2 (MANE Select); coding-DNA position 854, A replaced by G.
Protein change: p.Glu285Gly; replaces glutamic acid 285 with glycine.
Molecular consequence: missense variant.
Genome position (GRCh38, 1-based): chr9:35,076,794, T>C on the plus strand (A>G on the coding strand, the complement: FANCG is on the minus strand). VCF-style: chr9-35076794-T-C. GRCh37 (hg19) VCF-style: chr9-35076791-T-C.
Other names: short protein forms E285G.
Identifiers: ClinVar variation 4254471 (VCV004254471.1).